The following is an entry in ClinVar:

ClinVar aggregate classification (germline): Pathogenic (1 of 4 stars; one submission).

Conditions:
Muscular dystrophy-dystroglycanopathy type B6 (MDDGB6). Also called: MUSCULAR DYSTROPHY-DYSTROGLYCANOPATHY (CONGENITAL WITH IMPAIRED INTELLECTUAL DEVELOPMENT), TYPE B, 6; MUSCULAR DYSTROPHY, CONGENITAL, LARGE-RELATED; MUSCULAR DYSTROPHY, CONGENITAL, TYPE 1D. Identifiers: MedGen C1837229, MONDO:0012138, OMIM 608840.

Submission:

Labcorp Genetics (formerly Invitae), Labcorp
Classification: Pathogenic for Muscular dystrophy-dystroglycanopathy type B6. Last evaluated: 2021-10-08. Review status: criteria provided, single submitter. Criteria: Invitae Variant Classification Sherloc (09022015). Collection method: clinical testing. Allele origin: germline.
Comment: For these reasons, this variant has been classified as Pathogenic. This variant has not been reported in the literature in individuals affected with LARGE1-related conditions. This variant is a gross deletion of the genomic region encompassing exon(s) 11-12 of the LARGE1 gene. This deletion is out-of-frame, and is expected to create a premature termination codon and result in an absent or disrupted protein product. Loss-of-function variants in LARGE1 are known to be pathogenic (PMID: 12966029, 17878207).

Literature cited by the submitters: PubMed 12966029; PubMed 17878207.

NC_000022.10:g.(?_33712051)_(33733807_?)del

Gene: LARGE1 (LARGE xylosyl- and glucuronyltransferase 1; minus strand). Cytogenetic location: 22q12.3.
Variant type: Deletion.
Identifiers: ClinVar variation 1453494 (VCV001453494.6).